The following is an entry in ClinVar:

ClinVar aggregate classification (germline): Benign/Likely benign. Review status: criteria provided, multiple submitters, no conflicts (2 of 4 stars). 4 submissions from 4 submitters: Benign (1); Likely benign (2). 1 of the submissions does not count toward it. Last evaluated 2026-02-03.

Conditions:
Congenital disorder of glycosylation, type Iaa. Also called: Congenital disorder of glycosylation, type 1aa. Identifiers: MedGen C4310727, MONDO:0014904, OMIM 617082.
NUS1-related disorder. Also called: NUS1-related condition; NUS1-Related Disorders. Identifiers: MedGen CN382504, MONDO:1060287.

Allele frequency attached by ClinVar (database versions not stated): ExAC 0.00065; gnomAD 0.00122; TOPMed 0.00231; 1000 Genomes Project 0.00280; 1000 Genomes Project 30x 0.00312.
gnomAD v4.1: 1,729 of 1,532,692 alleles (0.11%); highest among the groups gnomAD compares: Admixed American, 2.9%; 29 homozygotes.

Submissions (4):

Labcorp Genetics (formerly Invitae), Labcorp
Classification: Benign for Congenital disorder of glycosylation, type Iaa. Last evaluated: 2026-02-03. Review status: criteria provided, single submitter. Criteria: Invitae Variant Classification Sherloc (09022015). Collection method: clinical testing. Allele origin: germline.

GeneDx
Classification: Likely benign. Last evaluated: 2021-05-06. Review status: criteria provided, single submitter. Criteria: GeneDx Variant Classification Process June 2021. Collection method: clinical testing. Allele origin: germline. Affected: yes.

Breakthrough Genomics
Classification: Likely benign. Review status: criteria provided, single submitter. Criteria: ACMG Guidelines, 2015. Collection method: not provided. Allele origin: germline. Inheritance: Autosomal recessive inheritance. Affected: yes.

PreventionGenetics, part of Exact Sciences
Classification: Benign for NUS1-related condition. Last evaluated: 2019-05-10. Review status: no assertion criteria provided. Collection method: clinical testing. Allele origin: germline. Not counted in ClinVar's aggregate classification.
Comment: This variant is classified as benign based on ACMG/AMP sequence variant interpretation guidelines (Richards et al. 2015 PMID: 25741868, with internal and published modifications).

NM_138459.5(NUS1):c.197G>C (p.Arg66Pro)

Gene: NUS1 (NUS1 dehydrodolichyl diphosphate synthase subunit; plus strand). Cytogenetic location: 6q22.1.
Variant type: single nucleotide variant.
Coding change: c.197G>C on transcript NM_138459.5 (MANE Select); coding-DNA position 197, G replaced by C.
Protein change: p.Arg66Pro; replaces arginine 66 with proline.
Molecular consequence: missense variant.
Genome position (GRCh38, 1-based): chr6:117,675,867, G>C. VCF-style: chr6-117675867-G-C. GRCh37 (hg19) VCF-style: chr6-117997030-G-C.
Other names: short protein forms R66P.
Identifiers: ClinVar variation 769692 (VCV000769692.15), dbSNP rs539668656, ClinGen allele CA3977079.